The following is an entry in ClinVar:

ClinVar aggregate classification (germline): Likely benign. Review status: criteria provided, multiple submitters, no conflicts (2 of 4 stars). 2 submissions from 2 submitters: Likely benign (2). Last evaluated 2024-06-06.

Allele frequency attached by ClinVar (database versions not stated): ExAC 0.00001; 1000 Genomes Project 0.00240.

Submissions (2):

Labcorp Genetics (formerly Invitae), Labcorp
Classification: Likely benign. Last evaluated: 2024-06-06. Review status: criteria provided, single submitter. Criteria: Invitae Variant Classification Sherloc (09022015). Collection method: clinical testing. Allele origin: germline.

CeGaT Center for Human Genetics Tuebingen
Classification: Likely benign. Last evaluated: 2023-04-01. Review status: criteria provided, single submitter. Criteria: CeGaT Center For Human Genetics Tuebingen Variant Classification Criteria Version 2. Collection method: clinical testing. Allele origin: germline. Affected: yes. Observed: 1 variant allele.
Comment: TRIOBP: BP4, BP7

NM_001039141.3(TRIOBP):c.2178A>G (p.Arg726=)

Gene: TRIOBP (TRIO and F-actin binding protein; plus strand). Cytogenetic location: 22q13.1.
Variant type: single nucleotide variant.
Coding change: c.2178A>G on transcript NM_001039141.3 (MANE Select); coding-DNA position 2178, A replaced by G.
Protein change: p.Arg726=; no amino-acid change (arginine 726 retained).
Molecular consequence: synonymous variant.
Genome position (GRCh38, 1-based): chr22:37,724,734, A>G. VCF-style: chr22-37724734-A-G. GRCh37 (hg19) VCF-style: chr22-38120741-A-G.
Identifiers: ClinVar variation 2180041 (VCV002180041.28), dbSNP rs530788494, ClinGen allele CA10223813.